The following is an entry in ClinVar:

NM_017635.5(KMT5B):c.1471A>T (p.Lys491Ter)

Gene: KMT5B (lysine methyltransferase 5B; minus strand). Cytogenetic location: 11q13.2.
Variant type: single nucleotide variant.
Coding change: c.1471A>T on transcript NM_017635.5 (MANE Select); coding-DNA position 1471, A replaced by T.
Protein change: p.Lys491Ter; replaces lysine 491 with a stop codon.
Molecular consequence: nonsense.
Genome position (GRCh38, 1-based): chr11:68,158,875, T>A on the plus strand (A>T on the coding strand, the complement: KMT5B is on the minus strand). VCF-style: chr11-68158875-T-A. GRCh37 (hg19) VCF-style: chr11-67926342-T-A.
Other names: c.955A>T, p.Lys319Ter (NM_001300907.1, NM_001369430.1, NM_001369431.1 and 4 more transcripts); c.751A>T, p.Lys251Ter (NM_001300908.2); c.1471A>T, p.Lys491Ter (NM_001369426.1); short protein forms K251*, K319*, K491*.
Identifiers: ClinVar variation 4850135 (VCV004850135.1).
Genomic context (GRCh38, chr11:68,158,875, plus strand): 5'-TAGTCAAGCACCCGCTGGCAACTGCGGCTTGGGCTGGTCCCTCTGGCTCCTTATCTTTTT[T>A]AATGGGCAAATTTTTATACAGAACTACTTTAGGCTCTTTCAGTACTAAGTTTCCCATTTC-3'

ClinVar aggregate classification (germline): Pathogenic (1 of 4 stars; one submission).

Conditions:
Intellectual developmental disorder, autosomal dominant 51. Also called: MENTAL RETARDATION, AUTOSOMAL DOMINANT 51; Intellectual disability, autosomal dominant 51. Identifiers: Orphanet 684226, MedGen C4540474, MONDO:0030917, OMIM 617788.

Submission:

Variantyx, Inc.
Classification: Pathogenic for Intellectual developmental disorder, autosomal dominant 51. Last evaluated: 2025-07-01. Review status: criteria provided, single submitter. Criteria: Variantyx Assertion Criteria 2022. Collection method: clinical testing. Allele origin: de novo. Inheritance: Autosomal dominant inheritance. Affected: yes.
Comment: This is a nonsense variant in the KMT5B gene (OMIM: 610881). Pathogenic variants in this gene have been associated with autosomal dominant intellectual developmental disorder 51. The alteration introduces a premature termination codon in exon 11 out of 11 and is expected to result in loss of function, which is a known disease mechanism for KMT5B in this disorder (PMID: 29276005, 28191889) (PVS1). This variant is absent from control populations (PM2) and it has not been reported in individuals with KMT5B-related disorders in the databases available for review. Based on the current evidence, this variant is classified as pathogenic for autosomal dominant intellectual developmental disorder 51.

Literature cited by the submitters: PubMed 29276005; PubMed 28191889.